The following is an entry in ClinVar:

ClinVar aggregate classification (germline): Pathogenic (1 of 4 stars; one submission).

Conditions:
Bardet-Biedl syndrome (BBS). Identifiers: Orphanet 110, MedGen C0752166, MONDO:0015229.

Submission:

Labcorp Genetics (formerly Invitae), Labcorp
Classification: Pathogenic for Bardet-Biedl syndrome. Last evaluated: 2022-12-06. Review status: criteria provided, single submitter. Criteria: Invitae Variant Classification Sherloc (09022015). Collection method: clinical testing. Allele origin: germline.
Comment: For these reasons, this variant has been classified as Pathogenic. This variant disrupts a region of the BBS12 protein in which other variant(s) (p.Gln511_Gln513del) have been determined to be pathogenic (PMID: 17160889, 20120035, 20498079; Invitae). This suggests that this is a clinically significant region of the protein, and that variants that disrupt it are likely to be disease-causing. This variant has not been reported in the literature in individuals affected with BBS12-related conditions. This variant is not present in population databases (gnomAD no frequency). This sequence change creates a premature translational stop signal (p.Asn506Glnfs*24) in the BBS12 gene. While this is not anticipated to result in nonsense mediated decay, it is expected to disrupt the last 205 amino acid(s) of the BBS12 protein.

Literature cited by the submitters: PubMed 17160889; PubMed 20120035; PubMed 20498079.

NM_152618.3(BBS12):c.1515_1518del (p.Asn506fs)

Gene: BBS12 (Bardet-Biedl syndrome 12; plus strand). Cytogenetic location: 4q27.
Variant type: Deletion.
Coding change: c.1515_1518del on transcript NM_152618.3 (MANE Select); coding-DNA positions 1515 to 1518, 4 bases deleted (TAAC; older notation c.1515_1518delTAAC).
Protein change: p.Asn506fs; shifts the reading frame from asparagine 506.
Molecular consequence: frameshift variant.
Genome position (GRCh38, 1-based): chr4:122,743,407-122,743,410, TAAC deleted; deleting any 4 consecutive bases within chr4:122,743,405-122,743,410 gives the same sequence; the c. name uses the placement nearest the transcript's 3' end. VCF-style (leftmost placement, unchanged base first): chr4-122743404-CACTA-C. GRCh37 (hg19) VCF-style: chr4-123664559-CACTA-C.
Other names: c.1515_1518del, p.Asn506fs (NM_001178007.2); short protein forms N506fs.
Identifiers: ClinVar variation 2816850 (VCV002816850.3), dbSNP rs2485077068, ClinGen allele CA2739270259.